The following is an entry in ClinVar:

ClinVar aggregate classification (germline): Uncertain significance (1 of 4 stars; one submission).

Submission:

Labcorp Genetics (formerly Invitae), Labcorp
Classification: Uncertain significance. Last evaluated: 2022-12-31. Review status: criteria provided, single submitter. Criteria: Invitae Variant Classification Sherloc (09022015). Collection method: clinical testing. Allele origin: germline.
Comment: This variant is not present in population databases (gnomAD no frequency). In summary, the available evidence is currently insufficient to determine the role of this variant in disease. Therefore, it has been classified as a Variant of Uncertain Significance. Algorithms developed to predict the effect of missense changes on protein structure and function are either unavailable or do not agree on the potential impact of this missense change (SIFT: "Deleterious"; PolyPhen-2: "Probably Damaging"; Align-GVGD: "Class C15"). This variant has not been reported in the literature in individuals affected with LIPI-related conditions. This sequence change replaces aspartic acid, which is acidic and polar, with asparagine, which is neutral and polar, at codon 247 of the LIPI protein (p.Asp247Asn).

NM_001302998.2(LIPI):c.676G>A (p.Asp226Asn)

Gene: LIPI (lipase I; minus strand). Cytogenetic location: 21q11.2.
Variant type: single nucleotide variant.
Coding change: c.676G>A on transcript NM_001302998.2 (MANE Select); coding-DNA position 676, G replaced by A.
Protein change: p.Asp226Asn; replaces aspartic acid 226 with asparagine.
Molecular consequence: missense variant. On other transcripts: intron variant (1).
Genome position (GRCh38, 1-based): chr21:14,166,419, C>T on the plus strand (G>A on the coding strand, the complement: LIPI is on the minus strand). VCF-style: chr21-14166419-C-T. GRCh37 (hg19) VCF-style: chr21-15538740-C-T.
Other names: c.676G>A, p.Asp226Asn (NM_001303000.2, NM_001303001.2, NM_001379565.1); c.181G>A, p.Asp61Asn (NM_001379566.1); c.541G>A, p.Asp181Asn (NM_198996.4); c.644-1029G>A (NM_001302999.2); short protein forms D61N, D181N, D226N.
Identifiers: ClinVar variation 2825331 (VCV002825331.3), dbSNP rs2516436508, ClinGen allele CA409821962.
Genomic context (GRCh38, chr21:14,166,419, plus strand): 5'-TACCTGAGAAAATTGATTTAGGACAGCCAGGTTGTTTATTTCCTCCATTTGGATAAAAAT[C>T]TATATGTCCCAAGGGCTCTTGAATGCCTAAACCTGAGAAGAAAGGCACCCAAGAATCACA-3'
Protein context (NP_001289927.1, residues 216-236): LGIQEPLGHI[Asp226Asn]FYPNGGNKQP